The following is an entry in ClinVar:

NM_001372.4(DNAH9):c.8894G>A (p.Arg2965His)

Gene: DNAH9 (dynein axonemal heavy chain 9; plus strand). Cytogenetic location: 17p12.
Variant type: single nucleotide variant.
Coding change: c.8894G>A on transcript NM_001372.4 (MANE Select); coding-DNA position 8894, G replaced by A.
Protein change: p.Arg2965His; replaces arginine 2965 with histidine.
Molecular consequence: missense variant.
Genome position (GRCh38, 1-based): chr17:11,822,481, G>A. VCF-style: chr17-11822481-G-A. GRCh37 (hg19) VCF-style: chr17-11725798-G-A.
Other names: c.8894G>A (NM_001372.3); short protein forms R2965H.
Identifiers: ClinVar variation 617663 (VCV000617663.6), dbSNP rs375908701, ClinGen allele CA8397081.

ClinVar aggregate classification (germline): Uncertain significance. Review status: criteria provided, multiple submitters, no conflicts (2 of 4 stars). 2 submissions from 2 submitters: Uncertain significance (2). Last evaluated 2025-03-20.

Allele frequency attached by ClinVar (database versions not stated): gnomAD 0.00003; TOPMed 0.00005; gnomAD exomes 0.00006; ExAC 0.00007; ESP Exome Variant Server 0.00008.
gnomAD v4.1: 90 of 1,614,042 alleles (0.0056%); highest among the groups gnomAD compares: Admixed American, 0.017%; no homozygotes.

Submissions (2):

GeneDx
Classification: Uncertain significance. Last evaluated: 2025-03-20. Review status: criteria provided, single submitter. Criteria: GeneDx Variant Classification Process June 2021. Collection method: clinical testing. Allele origin: germline. Affected: yes.
Comment: Observed in the homozygous state in a patient in published literature with situs inversus, rhinosinusitis, and infertility; an additional homozygous missense variant in DNAH9 was also identified in this patient (PMID: 30471717); Published functional studies using patient cells demonstrate a lack of DNAH9 protein; however, as two homozygous DNAH9 variants are present, it is unknown if one or both variants are contributing to the results (PMID: 30471717); In silico analysis supports that this missense variant has a deleterious effect on protein structure/function; This variant is associated with the following publications: (PMID: 34426522, 30471717)

Labcorp Genetics (formerly Invitae), Labcorp
Classification: Uncertain significance. Last evaluated: 2022-10-24. Review status: criteria provided, single submitter. Criteria: Invitae Variant Classification Sherloc (09022015). Collection method: clinical testing. Allele origin: germline.
Comment: In summary, the available evidence is currently insufficient to determine the role of this variant in disease. Therefore, it has been classified as a Variant of Uncertain Significance. Advanced modeling of protein sequence and biophysical properties (such as structural, functional, and spatial information, amino acid conservation, physicochemical variation, residue mobility, and thermodynamic stability) performed at Invitae indicates that this missense variant is not expected to disrupt DNAH9 protein function. ClinVar contains an entry for this variant (Variation ID: 617663). This missense change has been observed in individual(s) with primary ciliary dyskinesia (PMID: 30471717). This variant is present in population databases (rs375908701, gnomAD 0.01%). This sequence change replaces arginine, which is basic and polar, with histidine, which is basic and polar, at codon 2965 of the DNAH9 protein (p.Arg2965His).

Literature cited by the submitters: PubMed 30471717 (cited by Labcorp Genetics (formerly Invitae), Labcorp).